The following is an entry in ClinVar:

ClinVar aggregate classification (germline): Uncertain significance (1 of 4 stars; one submission).

Conditions:
Dystonia 12 (DYT12). Also called: Rapid-Onset Dystonia-Parkinsonism (RDP); DYT-ATP1A3. Identifiers: Orphanet 71517, MedGen C1868681, MONDO:0007496, OMIM 128235.

Submission:

Labcorp Genetics (formerly Invitae), Labcorp
Classification: Uncertain significance for Dystonia 12. Last evaluated: 2023-03-02. Review status: criteria provided, single submitter. Criteria: Invitae Variant Classification Sherloc (09022015). Collection method: clinical testing. Allele origin: germline.
Comment: This sequence change replaces valine, which is neutral and non-polar, with leucine, which is neutral and non-polar, at codon 542 of the ATP1A3 protein (p.Val542Leu). In summary, the available evidence is currently insufficient to determine the role of this variant in disease. Therefore, it has been classified as a Variant of Uncertain Significance. Advanced modeling of protein sequence and biophysical properties (such as structural, functional, and spatial information, amino acid conservation, physicochemical variation, residue mobility, and thermodynamic stability) performed at Invitae indicates that this missense variant is expected to disrupt ATP1A3 protein function. This variant has not been reported in the literature in individuals affected with ATP1A3-related conditions. This variant is not present in population databases (gnomAD no frequency).

NM_152296.5(ATP1A3):c.1624G>T (p.Val542Leu)

Gene: ATP1A3 (ATPase Na+/K+ transporting subunit alpha 3; minus strand). Cytogenetic location: 19q13.2.
Variant type: single nucleotide variant.
Coding change: c.1624G>T on transcript NM_152296.5 (MANE Select); coding-DNA position 1624, G replaced by T.
Protein change: p.Val542Leu; replaces valine 542 with leucine.
Molecular consequence: missense variant.
Genome position (GRCh38, 1-based): chr19:41,978,612, C>A on the plus strand (G>T on the coding strand, the complement: ATP1A3 is on the minus strand). VCF-style: chr19-41978612-C-A. GRCh37 (hg19) VCF-style: chr19-42482764-C-A.
Other names: c.1657G>T, p.Val553Leu (NM_001256213.2); c.1663G>T, p.Val555Leu (NM_001256214.2); short protein forms V553L, V542L, V555L.
Identifiers: ClinVar variation 2841252 (VCV002841252.3), dbSNP rs2514056281, ClinGen allele CA406046354.